The following is an entry in ClinVar:

NM_000036.3(AMPD1):c.1273C>T (p.Arg425Cys)

Gene: AMPD1 (adenosine monophosphate deaminase 1; minus strand). Cytogenetic location: 1p13.2.
Variant type: single nucleotide variant.
Coding change: c.1273C>T on transcript NM_000036.3 (MANE Select); coding-DNA position 1273, C replaced by T.
Protein change: p.Arg425Cys; replaces arginine 425 with cysteine.
Molecular consequence: missense variant.
Genome position (GRCh38, 1-based): chr1:114,677,466, G>A on the plus strand (C>T on the coding strand, the complement: AMPD1 is on the minus strand). VCF-style: chr1-114677466-G-A. GRCh37 (hg19) VCF-style: chr1-115220087-G-A.
Other names: c.1261C>T, p.Arg421Cys (NM_001172626.2); short protein forms R425C, R421C.
Identifiers: ClinVar variation 1521611 (VCV001521611.4), dbSNP rs187527797, ClinGen allele CA1020162.
Genomic context (GRCh38, chr1:114,677,466, plus strand): 5'-AGACGAACCAGGAGGAGAGTTTGCTCCACTCATCAGGACTGCGGCCATAGATGGACAGGC[G>A]GGGCTCAGCATGCTGGTACTTGGCCTCCACCAGGTCCGCACCTACCTCCTGCAAAGCCAA-3'
Protein context (NP_000027.3, residues 415-435): VEAKYQHAEP[Arg425Cys]LSIYGRSPDE

ClinVar aggregate classification (germline): Uncertain significance (1 of 4 stars; one submission).

Conditions:
Muscle AMP deaminase deficiency (MMDD). Also called: AMPD1 DEFICIENCY; ADENOSINE MONOPHOSPHATE DEAMINASE-1 DEFICIENCY, MYOPATHY DUE TO; Myoadenylate deaminase deficiency, myopathy due to; Adenosine monophosphate deaminase 1 deficiency; AMP deaminase 1 deficiency; Adenosine Monophosphate Deaminase 1. Identifiers: Orphanet 45, MedGen C3714933, MONDO:0014220, OMIM 615511.

Allele frequency attached by ClinVar (database versions not stated): TOPMed 0.00001; ExAC 0.00002; gnomAD exomes 0.00002; gnomAD 0.00003; 1000 Genomes Project 30x 0.00016; 1000 Genomes Project 0.00020.
gnomAD v4.1: 37 of 1,613,166 alleles (0.0023%); highest among the groups gnomAD compares: Non-Finnish European, 0.0029%; no homozygotes.

Submission:

Labcorp Genetics (formerly Invitae), Labcorp
Classification: Uncertain significance for Muscle AMP deaminase deficiency. Last evaluated: 2024-02-24. Review status: criteria provided, single submitter. Criteria: Invitae Variant Classification Sherloc (09022015). Collection method: clinical testing. Allele origin: germline.
Comment: This sequence change replaces arginine, which is basic and polar, with cysteine, which is neutral and slightly polar, at codon 458 of the AMPD1 protein (p.Arg458Cys). This variant is present in population databases (rs187527797, gnomAD 0.004%). This variant has not been reported in the literature in individuals affected with AMPD1-related conditions. ClinVar contains an entry for this variant (Variation ID: 1521611). An algorithm developed to predict the effect of missense changes on protein structure and function (PolyPhen-2) suggests that this variant is likely to be disruptive. In summary, the available evidence is currently insufficient to determine the role of this variant in disease. Therefore, it has been classified as a Variant of Uncertain Significance.